The following is an entry in ClinVar:

ClinVar aggregate classification (germline): Uncertain significance (1 of 4 stars; one submission).

Submission:

Women's Health and Genetics/Laboratory Corporation of America, LabCorp
Classification: Uncertain significance. Last evaluated: 2026-03-09. Review status: criteria provided, single submitter. Criteria: LabCorp Variant Classification Summary - May 2015. Collection method: clinical testing. Allele origin: germline.
Comment: Variant summary: GP1BA c.149C>T (p.Thr50Ile) results in a non-conservative amino acid change in the encoded protein sequence. Algorithms developed to predict the effect of missense changes on protein structure and function are either unavailable or do not agree on the potential impact of this missense change. The variant allele was found at a frequency of 2e-05 in 249388 control chromosomes. The available data on variant occurrences in the general population are insufficient to allow any conclusion about variant significance. To our knowledge, no occurrence of c.149C>T in individuals affected with GP1BA-related conditions and no experimental evidence demonstrating its impact on protein function have been reported. No submitters have cited clinical-significance assessments for this variant to ClinVar. Based on the evidence outlined above, the variant was classified as uncertain significance.

NM_000173.7(GP1BA):c.149C>T (p.Thr50Ile)

Gene: GP1BA (glycoprotein Ib platelet subunit alpha; plus strand). Cytogenetic location: 17p13.2.
Variant type: single nucleotide variant.
Coding change: c.149C>T on transcript NM_000173.7 (MANE Select); coding-DNA position 149, C replaced by T.
Protein change: p.Thr50Ile; replaces threonine 50 with isoleucine.
Molecular consequence: missense variant.
Genome position (GRCh38, 1-based): chr17:4,932,753, C>T. VCF-style: chr17-4932753-C-T. GRCh37 (hg19) VCF-style: chr17-4836048-C-T.
Other names: short protein forms T50I.
Identifiers: ClinVar variation 4847379 (VCV004847379.1).